The following is an entry in ClinVar:

NM_024408.4(NOTCH2):c.6853C>T (p.Gln2285Ter)

Gene: NOTCH2 (notch receptor 2; minus strand). Cytogenetic location: 1p12.
Variant type: single nucleotide variant.
Coding change: c.6853C>T on transcript NM_024408.4 (MANE Select); coding-DNA position 6853, C replaced by T.
Protein change: p.Gln2285Ter; replaces glutamine 2285 with a stop codon.
Molecular consequence: nonsense.
Genome position (GRCh38, 1-based): chr1:119,915,869, G>A on the plus strand (C>T on the coding strand, the complement: NOTCH2 is on the minus strand). VCF-style: chr1-119915869-G-A. GRCh37 (hg19) VCF-style: chr1-120458492-G-A.
Other names: NM_024408.3:c.6853C>T(p.Gln2285Ter); short protein forms Q2285*.
Identifiers: ClinVar variation 545566 (VCV000545566.1), dbSNP rs1553193507, ClinGen allele CA341875301.

ClinVar aggregate classification (germline): Pathogenic/Likely pathogenic. Review status: criteria provided, multiple submitters, no conflicts (2 of 4 stars). 2 submissions from 2 submitters: Pathogenic (1); Likely pathogenic (1). Last evaluated 2018-04-16.

Conditions:
Hajdu-Cheney syndrome (HJCYS). Also called: SERPENTINE FIBULA-POLYCYSTIC KIDNEY SYNDROME; ACROOSTEOLYSIS WITH OSTEOPOROSIS AND CHANGES IN SKULL AND MANDIBLE; Acroosteolysis dominant type. Identifiers: Orphanet 955, MedGen C0917715, MONDO:0007057, OMIM 102500.

Allele frequency attached by ClinVar (database versions not stated): gnomAD exomes below 0.00001.
gnomAD v4.1: 1 of 1,614,192 alleles (0.000062%); highest among the groups gnomAD compares: Non-Finnish European, 0.000085%; no homozygotes.

Submissions (2):

SIB Swiss Institute of Bioinformatics
Classification: Likely pathogenic for Hajdu-Cheney syndrome. Last evaluated: 2018-04-16. Review status: criteria provided, single submitter. Criteria: ACMG Guidelines, 2015. Collection method: curation. Allele origin: germline.
Comment: This variant is interpreted as a Likely Pathogenic, for Hajdu-cheney syndrome, Autosomal Dominant inheritance. The following ACMG Tag(s) were applied: PM2 => Absent from controls (or at extremely low frequency if recessive) in Exome Sequencing Project, 1000 Genomes Project, or Exome Aggregation Consortium. PM1 => Located in a mutational hot spot and/or critical and well-established functional domain (e.g., active site of an enzyme) without benign variation. PM6 => Assumed de novo, but without confirmation of paternity and maternity (PMID:21378989).

HudsonAlpha Institute for Biotechnology
Classification: Pathogenic for Hajdu-Cheney syndrome. Last evaluated: 2018-03-27. Review status: criteria provided, single submitter. Criteria: ACMG Guidelines, 2015. Collection method: research. Allele origin: unknown. Affected: yes. Observed: 1 variant allele. Study: PGEN-HudsonAlpha.

Literature cited by the submitters: PubMed 21378989 (cited by SIB Swiss Institute of Bioinformatics).